The following is an entry in ClinVar:

ClinVar aggregate classification (germline): Pathogenic (1 of 4 stars; one submission).

Conditions:
Sessile serrated polyposis cancer syndrome (SSPCS). Identifiers: Orphanet 157798, MedGen C4310714, MONDO:0014919, OMIM 617108.

Submission:

Myriad Genetics, Inc.
Classification: Pathogenic for Sessile serrated polyposis cancer syndrome. Last evaluated: 2025-12-15. Review status: criteria provided, single submitter. Criteria: Myriad Autosomal Dominant, Autosomal Recessive and X-Linked Classification Criteria (2023). Collection method: clinical testing. Allele origin: unknown.
Comment: This variant is considered pathogenic. This variant creates a frameshift predicted to result in premature protein truncation.

NM_017763.6(RNF43):c.1383del (p.Pro462fs)

Gene: RNF43 (ring finger protein 43; minus strand). Cytogenetic location: 17q22.
Variant type: Deletion.
Coding change: c.1383del on transcript NM_017763.6 (MANE Select); coding-DNA position 1383, one base deleted (G; older notation c.1383delG).
Protein change: p.Pro462fs; shifts the reading frame from proline 462.
Molecular consequence: frameshift variant.
Genome position (GRCh38, 1-based): chr17:58,358,393, C deleted on the plus strand (G on the coding strand, the reverse complement: RNF43 is on the minus strand); the first of 3 consecutive C bases (chr17:58,358,393-58,358,395); deleting any one gives the same sequence. VCF-style (leftmost placement, unchanged base first): chr17-58358392-GC-G. GRCh37 (hg19) VCF-style: chr17-56435753-GC-G.
Other names: c.1383del, p.Pro462fs (NM_001305544.3, NM_001438820.1, NM_001438821.1 and 1 more transcripts); c.1002del, p.Pro335fs (NM_001305545.2, NM_001437987.1); short protein forms P335fs, P462fs.
Identifiers: ClinVar variation 4812948 (VCV004812948.1).
Genomic context (GRCh38, chr17:58,358,392, plus strand): 5'-AGTTGACCACAGAGTCACTGGAAGAGCCATGACAGGGCCCTGAGCTGGAGTCACTGGCTG[GC>G]CCATCTGCCAGGTACCCACTGCGTTCTGTGCAATAGCTTTCTCCAGATCCACTGCTGTCA-3'